The following is an entry in ClinVar:

NM_001267550.2(TTN):c.106612G>C (p.Glu35538Gln)

Genes: TTN-AS1 (TTN antisense RNA 1; plus strand), TTN (titin; minus strand). Cytogenetic location: 2q31.2.
Variant type: single nucleotide variant.
Coding change: c.106612G>C on transcript NM_001267550.2 (MANE Select); coding-DNA position 106612, G replaced by C.
Protein change: p.Glu35538Gln; replaces glutamic acid 35538 with glutamine.
Molecular consequence: missense variant.
Genome position (GRCh38, 1-based): chr2:178,529,139, C>G on the plus strand (G>C on the coding strand, the complement: TTN is on the minus strand). VCF-style: chr2-178529139-C-G. GRCh37 (hg19) VCF-style: chr2-179393866-C-G.
Other names: c.101689G>C, p.Glu33897Gln (NM_001256850.1); c.79417G>C, p.Glu26473Gln (NM_003319.4); c.98908G>C, p.Glu32970Gln (NM_133378.4); c.79792G>C, p.Glu26598Gln (NM_133432.3); c.79993G>C, p.Glu26665Gln (NM_133437.4); short protein forms E26665Q, E33897Q, E35538Q, E26473Q, E32970Q, E26598Q.
Identifiers: ClinVar variation 1479696 (VCV001479696.6), dbSNP rs968812751, ClinGen allele CA349404105.
Genomic context (GRCh38, chr2:178,529,139, plus strand): 5'-GAGATTTTGCCTCTGACATCTTAATTTCTTCAGACCTTAGGGCTTTTTGGGAAATTTCCT[C>G]TTGGACAACAGCTTTCTTCTGAGGTGTAATTTCAGAAGTCTTTTGTGTAGAGACTTTCTG-3'
Protein context (NP_001254479.2, residues 35528-35548): ITPQKKAVVQ[Glu35538Gln]EISQKALRSE

ClinVar aggregate classification (germline): Uncertain significance (1 of 4 stars; one submission).

Conditions:
Dilated cardiomyopathy 1G (CMD1G). Identifiers: Orphanet 154, MedGen C1858763, MONDO:0011400, OMIM 604145.
Autosomal recessive limb-girdle muscular dystrophy type 2J (LGMDR10). Also called: Limb-girdle muscular dystrophy, type 2J; MUSCULAR DYSTROPHY, LIMB-GIRDLE, AUTOSOMAL RECESSIVE 10. Identifiers: Orphanet 140922, MedGen C1837342, MONDO:0012127, OMIM 608807.

Allele frequency attached by ClinVar (database versions not stated): gnomAD exomes below 0.00001.
gnomAD v4.1: 2 of 1,585,934 alleles (0.00013%); highest among the groups gnomAD compares: East Asian, 0.0045%; no homozygotes.

Submission:

Labcorp Genetics (formerly Invitae), Labcorp
Classification: Uncertain significance for Dilated cardiomyopathy 1G; Autosomal recessive limb-girdle muscular dystrophy type 2J. Last evaluated: 2021-01-21. Review status: criteria provided, single submitter. Criteria: Invitae Variant Classification Sherloc (09022015). Collection method: clinical testing. Allele origin: germline.
Comment: This variant is not present in population databases (ExAC no frequency). This sequence change replaces glutamic acid with glutamine at codon 35538 of the TTN protein (p.Glu35538Gln). There is a small physicochemical difference between glutamic acid and glutamine. This variant has not been reported in the literature in individuals with TTN-related conditions. Experimental studies and prediction algorithms are not available or were not evaluated, and the functional significance of this variant is currently unknown. In summary, the available evidence is currently insufficient to determine the role of this variant in disease. Therefore, it has been classified as a Variant of Uncertain Significance. This variant is located in the M band of TTN (PMID: 25589632). Variants in this region may be relevant for neuromuscular disorders, but have not been definitively shown to cause cardiomyopathy (PMID: 23975875).

Literature cited by the submitters: PubMed 25589632; PubMed 23975875.